The following is an entry in ClinVar:

NM_006231.4(POLE):c.5662G>A (p.Glu1888Lys)

Gene: POLE (DNA polymerase epsilon, catalytic subunit; minus strand). Cytogenetic location: 12q24.33.
Variant type: single nucleotide variant.
Coding change: c.5662G>A on transcript NM_006231.4 (MANE Select); coding-DNA position 5662, G replaced by A.
Protein change: p.Glu1888Lys; replaces glutamic acid 1888 with lysine.
Molecular consequence: missense variant.
Genome position (GRCh38, 1-based): chr12:132,638,030, C>T on the plus strand (G>A on the coding strand, the complement: POLE is on the minus strand). VCF-style: chr12-132638030-C-T. GRCh37 (hg19) VCF-style: chr12-133214616-C-T.
Other names: short protein forms E1888K.
Identifiers: ClinVar variation 405655 (VCV000405655.23), dbSNP rs368363850, ClinGen allele CA6892447.

ClinVar aggregate classification (germline): Conflicting classifications of pathogenicity. Review status: criteria provided, conflicting classifications (1 of 4 stars). 6 submissions from 6 submitters: Uncertain significance (5); Likely benign (1). Last evaluated 2026-08-01.

Conditions:
Facial dysmorphism-immunodeficiency-livedo-short stature syndrome. Also called: Facial dysmorphism, immunodeficiency, livedo, and short stature; FILS syndrome. Identifiers: Orphanet 352712, MedGen C3554576, MONDO:0014058, OMIM 615139.
Colorectal cancer, susceptibility to, 12 (CRCS12). Also called: COLORECTAL CANCER, SUSCEPTIBILITY TO, ON CHROMOSOME 12q24. Identifiers: Orphanet 220460, MedGen C3554460, MONDO:0014038, OMIM 615083.
Intrauterine growth retardation, metaphyseal dysplasia, adrenal hypoplasia congenita, genital anomalies, and immunodeficiency. Also called: IMAGEI SYNDROME. Identifiers: MedGen C5193036, MONDO:0032684, OMIM 618336.
Hereditary cancer-predisposing syndrome. Also called: Hereditary neoplastic syndrome; Neoplastic Syndromes, Hereditary; Hereditary Cancer Syndrome; Tumor predisposition. Identifiers: Orphanet 140162, MedGen C0027672, MeSH D009386, MONDO:0015356.

Allele frequency attached by ClinVar (database versions not stated): ExAC 0.00001; gnomAD exomes 0.00002 and 0.00003; gnomAD 0.00003 and 0.00004; TOPMed 0.00005; ESP Exome Variant Server 0.00008.

Submissions (6):

CeGaT Center for Human Genetics Tuebingen
Classification: Uncertain significance. Last evaluated: 2026-08-01. Review status: criteria provided, single submitter. Criteria: CeGaT Center For Human Genetics Tuebingen Variant Classification Criteria Version 2. Collection method: clinical testing. Allele origin: germline. Affected: yes. Observed: 1 variant allele.

Labcorp Genetics (formerly Invitae), Labcorp
Classification: Uncertain significance. Last evaluated: 2026-01-19. Review status: criteria provided, single submitter. Criteria: Invitae Variant Classification Sherloc (09022015). Collection method: clinical testing. Allele origin: germline.
Comment: This sequence change replaces glutamic acid, which is acidic and polar, with lysine, which is basic and polar, at codon 1888 of the POLE protein (p.Glu1888Lys). This variant is present in population databases (rs368363850, gnomAD 0.006%). This variant has not been reported in the literature in individuals affected with POLE-related conditions. ClinVar contains an entry for this variant (Variation ID: 405655). Invitae Evidence Modeling of protein sequence and biophysical properties (such as structural, functional, and spatial information, amino acid conservation, physicochemical variation, residue mobility, and thermodynamic stability) indicates that this missense variant is not expected to disrupt POLE protein function with a negative predictive value of 80%. RNA analysis performed to evaluate the impact of this missense change on mRNA splicing indicates it does not significantly alter splicing (internal data). In summary, the available evidence is currently insufficient to determine the role of this variant in disease. Therefore, it has been classified as a Variant of Uncertain Significance.

Ambry Genetics
Classification: Likely benign for Hereditary cancer-predisposing syndrome. Last evaluated: 2024-12-19. Review status: criteria provided, single submitter. Criteria: Ambry Variant Classification Scheme 2023. Collection method: clinical testing. Allele origin: germline.

GeneDx
Classification: Uncertain significance. Last evaluated: 2024-12-03. Review status: criteria provided, single submitter. Criteria: GeneDx Variant Classification Process June 2021. Collection method: clinical testing. Allele origin: germline. Affected: yes.
Comment: In silico analysis supports that this missense variant has a deleterious effect on protein structure/function; Has not been previously published as pathogenic or benign to our knowledge

Fulgent Genetics
Classification: Uncertain significance for Colorectal cancer, susceptibility to, 12; Facial dysmorphism-immunodeficiency-livedo-short stature syndrome; Intrauterine growth retardation, metaphyseal dysplasia, adrenal hypoplasia congenita, genital anomalies, and immunodeficiency. Last evaluated: 2021-07-22. Review status: criteria provided, single submitter. Criteria: ACMG Guidelines, 2015. Collection method: clinical testing. Allele origin: unknown.

Quest Diagnostics Nichols Institute San Juan Capistrano
Classification: Uncertain significance. Last evaluated: 2018-11-02. Review status: criteria provided, single submitter. Criteria: Quest Diagnostics criteria. Collection method: clinical testing. Allele origin: germline.